The following is an entry in ClinVar:

NM_006623.4(PHGDH):c.1363C>T (p.Pro455Ser)

Gene: PHGDH (phosphoglycerate dehydrogenase; plus strand). Cytogenetic location: 1p12.
Variant type: single nucleotide variant.
Coding change: c.1363C>T on transcript NM_006623.4 (MANE Select); coding-DNA position 1363, C replaced by T.
Protein change: p.Pro455Ser; replaces proline 455 with serine.
Molecular consequence: missense variant.
Genome position (GRCh38, 1-based): chr1:119,742,960, C>T. VCF-style: chr1-119742960-C-T. GRCh37 (hg19) VCF-style: chr1-120285583-C-T.
Other names: short protein forms P455S.
Identifiers: ClinVar variation 2194194 (VCV002194194.1), dbSNP rs773372658, ClinGen allele CA1037441.

ClinVar aggregate classification (germline): Uncertain significance (1 of 4 stars; one submission).

Conditions:
PHGDH deficiency. Identifiers: Orphanet 79351, MedGen C1866174, MONDO:0011152, OMIM 601815.

Allele frequency attached by ClinVar (database versions not stated): ExAC 0.00001; gnomAD exomes 0.00001; gnomAD 0.00003; TOPMed 0.00007.
gnomAD v4.1: 14 of 1,613,996 alleles (0.00087%); highest among the groups gnomAD compares: African/African-American, 0.017%; no homozygotes.

Submission:

Labcorp Genetics (formerly Invitae), Labcorp
Classification: Uncertain significance for PHGDH deficiency. Last evaluated: 2022-07-11. Review status: criteria provided, single submitter. Criteria: Invitae Variant Classification Sherloc (09022015). Collection method: clinical testing. Allele origin: germline.
Comment: This sequence change replaces proline, which is neutral and non-polar, with serine, which is neutral and polar, at codon 455 of the PHGDH protein (p.Pro455Ser). This variant is present in population databases (rs773372658, gnomAD 0.008%). This variant has not been reported in the literature in individuals affected with PHGDH-related conditions. Algorithms developed to predict the effect of missense changes on protein structure and function (SIFT, PolyPhen-2, Align-GVGD) all suggest that this variant is likely to be tolerated. Algorithms developed to predict the effect of sequence changes on RNA splicing suggest that this variant may create or strengthen a splice site. In summary, the available evidence is currently insufficient to determine the role of this variant in disease. Therefore, it has been classified as a Variant of Uncertain Significance.